The following is an entry in ClinVar:

NM_005413.4(SIX3):c.338G>C (p.Trp113Ser)

Gene: SIX3 (SIX homeobox 3; plus strand). Cytogenetic location: 2p21.
Variant type: single nucleotide variant.
Coding change: c.338G>C on transcript NM_005413.4 (MANE Select); coding-DNA position 338, G replaced by C.
Protein change: p.Trp113Ser; replaces tryptophan 113 with serine.
Molecular consequence: missense variant.
Genome position (GRCh38, 1-based): chr2:44,942,442, G>C. VCF-style: chr2-44942442-G-C. GRCh37 (hg19) VCF-style: chr2-45169581-G-C.
Other names: short protein forms W113S.
Identifiers: ClinVar variation 664413 (VCV000664413.8), dbSNP rs1572624000, ClinGen allele CA346799361.

ClinVar aggregate classification (germline): Uncertain significance (1 of 4 stars; one submission).

Conditions:
Holoprosencephaly 2 (HPE2). Identifiers: Orphanet 2162, MedGen C1834877, MONDO:0007999, OMIM 157170.

Submission:

Labcorp Genetics (formerly Invitae), Labcorp
Classification: Uncertain significance for Holoprosencephaly 2. Last evaluated: 2018-07-15. Review status: criteria provided, single submitter. Criteria: Invitae Variant Classification Sherloc (09022015). Collection method: clinical testing. Allele origin: germline.
Comment: This variant has not been reported in the literature in individuals with SIX3-related disease. This variant is not present in population databases (ExAC no frequency). This sequence change replaces tryptophan with serine at codon 113 of the SIX3 protein (p.Trp113Ser). The tryptophan residue is highly conserved and there is a large physicochemical difference between tryptophan and serine. Algorithms developed to predict the effect of missense changes on protein structure and function are either unavailable or do not agree on the potential impact of this missense change (SIFT: "Tolerated"; PolyPhen-2: "Probably Damaging"; Align-GVGD: "Class C0"). In summary, the available evidence is currently insufficient to determine the role of this variant in disease. Therefore, it has been classified as a Variant of Uncertain Significance. The observation of one or more missense substitutions at this codon (p.Trp113Ser and p.Trp113Cys) in affected individuals suggests that this may be a clinically significant residue (PMID: 19353631, 18791198).

Literature cited by the submitters: PubMed 19353631; PubMed 18791198.